The following is an entry in ClinVar:

ClinVar aggregate classification (germline): Likely benign (1 of 4 stars; one submission).

Submission:

CeGaT Center for Human Genetics Tuebingen
Classification: Likely benign. Last evaluated: 2023-10-01. Review status: criteria provided, single submitter. Criteria: CeGaT Center For Human Genetics Tuebingen Variant Classification Criteria Version 2. Collection method: clinical testing. Allele origin: germline. Affected: yes. Observed: 1 variant allele.
Comment: POR: PM2:Supporting, BP4, BP7

NM_001395413.1(POR):c.948T>C (p.Ser316=)

Genes: POR (cytochrome p450 oxidoreductase; plus strand), LOC126860075 (CDK7 strongly-dependent group 2 enhancer GRCh37_chr7:75612087-75613286; plus strand). Cytogenetic location: 7q11.23.
Variant type: single nucleotide variant.
Coding change: c.948T>C on transcript NM_001395413.1 (MANE Select); coding-DNA position 948, T replaced by C.
Protein change: p.Ser316=; no amino-acid change (serine 316 retained).
Molecular consequence: synonymous variant.
Genome position (GRCh38, 1-based): chr7:75,983,747, T>C. VCF-style: chr7-75983747-T-C. GRCh37 (hg19) VCF-style: chr7-75613065-T-C.
Other names: c.957T>C, p.Ser319= (NM_000941.2, NM_000941.3); c.948T>C, p.Ser316= (NM_001367562.3, NM_001382657.2, NM_001382658.3 and 2 more transcripts); c.1002T>C, p.Ser334= (NM_001382655.3).
Identifiers: ClinVar variation 2657619 (VCV002657619.24), dbSNP rs2535394677, ClinGen allele CA456074452.
Genomic context (GRCh38, chr7:75,983,747, plus strand): 5'-CTGGGGCAGGGCCAGCCTTCCGCCCCTCCCGAGCCTCACATCTCCCTCCAGGTATGAATC[T>C]GGGGACCACGTGGCTGTGTACCCAGCCAACGACTCTGCTCTCGTCAACCAGCTGGGCAAA-3'
Protein context (NP_001382342.1, residues 306-326): DISDSKIRYE[Ser316=]GDHVAVYPAN